The following is an entry in ClinVar:

NM_000143.4(FH):c.1076C>T (p.Pro359Leu)

Gene: FH (fumarate hydratase; minus strand). Cytogenetic location: 1q43.
Variant type: single nucleotide variant.
Coding change: c.1076C>T on transcript NM_000143.4 (MANE Select); coding-DNA position 1076, C replaced by T.
Protein change: p.Pro359Leu; replaces proline 359 with leucine.
Molecular consequence: missense variant.
Genome position (GRCh38, 1-based): chr1:241,504,074, G>A on the plus strand (C>T on the coding strand, the complement: FH is on the minus strand). VCF-style: chr1-241504074-G-A. GRCh37 (hg19) VCF-style: chr1-241667374-G-A.
Other names: short protein forms P359L.
Identifiers: ClinVar variation 3850225 (VCV003850225.2).
Genomic context (GRCh38, chr1:241,504,074, plus strand): 5'-CTCCAACATTTACTAGCTATGTGATTACCTGGCATGATACTGCTTCCTGGTTCATTTTCA[G>A]GCAAGATCAATTCTCCCAGACCTGACCGAGGACCAGAACCCAAAAATCGAATATCATTTG-3'
Protein context (NP_000134.2, residues 349-369): PRSGLGELIL[Pro359Leu]ENEPGSSIMP

ClinVar aggregate classification (germline): Uncertain significance (1 of 4 stars; one submission).

Conditions:
Hereditary cancer-predisposing syndrome. Also called: Hereditary Cancer Syndrome; Hereditary neoplastic syndrome; Neoplastic Syndromes, Hereditary; Tumor predisposition. Identifiers: Orphanet 140162, MedGen C0027672, MeSH D009386, MONDO:0015356.

Submission:

Ambry Genetics
Classification: Uncertain significance for Hereditary cancer-predisposing syndrome. Last evaluated: 2026-06-16. Review status: criteria provided, single submitter. Criteria: Ambry Variant Classification Scheme 2023. Collection method: clinical testing. Allele origin: germline.
Comment: The p.P359L variant (also known as c.1076C>T), located in coding exon 7 of the FH gene, results from a C to T substitution at nucleotide position 1076. The proline at codon 359 is replaced by leucine, an amino acid with similar properties. This amino acid position is conserved. In addition, this alteration is predicted to be deleterious by in silico analysis. Based on the available evidence, the clinical significance of this variant remains unclear.